The following is an entry in ClinVar:

NM_001354930.2(RIPK1):c.388del (p.His130fs)

Gene: RIPK1 (receptor interacting serine/threonine kinase 1; plus strand). Cytogenetic location: 6p25.2.
Variant type: Deletion.
Coding change: c.388del on transcript NM_001354930.2 (MANE Select); coding-DNA position 388, one base deleted (C; older notation c.388delC).
Protein change: p.His130fs; shifts the reading frame from histidine 130.
Molecular consequence: frameshift variant. On other transcripts: 5 prime UTR variant (4), intron variant (1).
Genome position (GRCh38, 1-based): chr6:3,081,045, C deleted. VCF-style (leftmost placement, unchanged base first): chr6-3081044-AC-A. GRCh37 (hg19) VCF-style: chr6-3081278-AC-A.
Other names: c.-216del (NM_001317061.3, NM_001354932.2, NM_001354933.2 and 1 more transcripts); c.388del, p.His130fs (NM_003804.6); c.322-2040del (NM_001354931.2); short protein forms H130fs.
Identifiers: ClinVar variation 1949108 (VCV001949108.5), dbSNP rs2533181947, ClinGen allele CA2580074193.

ClinVar aggregate classification (germline): Pathogenic (1 of 4 stars; one submission).

Submission:

Labcorp Genetics (formerly Invitae), Labcorp
Classification: Pathogenic. Last evaluated: 2022-10-21. Review status: criteria provided, single submitter. Criteria: Invitae Variant Classification Sherloc (09022015). Collection method: clinical testing. Allele origin: germline.
Comment: This sequence change creates a premature translational stop signal (p.His130Metfs*5) in the RIPK1 gene. It is expected to result in an absent or disrupted protein product. Loss-of-function variants in RIPK1 are known to be pathogenic (PMID: 31213653). This variant is not present in population databases (gnomAD no frequency). This variant has not been reported in the literature in individuals affected with RIPK1-related conditions. For these reasons, this variant has been classified as Pathogenic.

Literature cited by the submitters: PubMed 31213653.